The following is an entry in ClinVar:

NM_198578.4(LRRK2):c.3301A>G (p.Asn1101Asp)

Gene: LRRK2 (leucine rich repeat kinase 2; plus strand). Cytogenetic location: 12q12.
Variant type: single nucleotide variant.
Coding change: c.3301A>G on transcript NM_198578.4 (MANE Select); coding-DNA position 3301, A replaced by G.
Protein change: p.Asn1101Asp; replaces asparagine 1101 with aspartic acid.
Molecular consequence: missense variant.
Genome position (GRCh38, 1-based): chr12:40,298,447, A>G. VCF-style: chr12-40298447-A-G. GRCh37 (hg19) VCF-style: chr12-40692249-A-G.
Other names: short protein forms N1101D.
Identifiers: ClinVar variation 1729983 (VCV001729983.4), dbSNP rs766332077, ClinGen allele CA6513865.

ClinVar aggregate classification (germline): Uncertain significance. Review status: criteria provided, multiple submitters, no conflicts (2 of 4 stars). 2 submissions from 2 submitters: Uncertain significance (2). Last evaluated 2024-07-20.

Conditions:
Autosomal dominant Parkinson disease 8. Also called: LRRK2-Related Parkinson Disease; Parkinson disease 8; Parkinson disease 8, susceptibility to. Identifiers: Orphanet 411602, MedGen C1846862, MONDO:0011764, OMIM 607060.
Inborn genetic diseases. Identifiers: MedGen C0950123, MeSH D030342.

Allele frequency attached by ClinVar (database versions not stated): gnomAD exomes below 0.00001; ExAC 0.00001; gnomAD 0.00001; TOPMed 0.00001.
gnomAD v4.1: 2 of 1,613,836 alleles (0.00012%); highest among the groups gnomAD compares: Non-Finnish European, 0.00017%; no homozygotes.

Submissions (2):

Labcorp Genetics (formerly Invitae), Labcorp
Classification: Uncertain significance for Autosomal dominant Parkinson disease 8. Last evaluated: 2024-07-20. Review status: criteria provided, single submitter. Criteria: Invitae Variant Classification Sherloc (09022015). Collection method: clinical testing. Allele origin: germline.
Comment: This sequence change replaces asparagine, which is neutral and polar, with aspartic acid, which is acidic and polar, at codon 1101 of the LRRK2 protein (p.Asn1101Asp). This variant is present in population databases (rs766332077, gnomAD 0.0009%). This variant has not been reported in the literature in individuals affected with LRRK2-related conditions. ClinVar contains an entry for this variant (Variation ID: 1729983). Advanced modeling of protein sequence and biophysical properties (such as structural, functional, and spatial information, amino acid conservation, physicochemical variation, residue mobility, and thermodynamic stability) has been performed at Invitae for this missense variant, however the output from this modeling did not meet the statistical confidence thresholds required to predict the impact of this variant on LRRK2 protein function. In summary, the available evidence is currently insufficient to determine the role of this variant in disease. Therefore, it has been classified as a Variant of Uncertain Significance.

Ambry Genetics
Classification: Uncertain significance for Inborn genetic diseases. Last evaluated: 2023-11-06. Review status: criteria provided, single submitter. Criteria: Ambry Variant Classification Scheme 2023. Collection method: clinical testing. Allele origin: germline.
Comment: The p.N1101D variant (also known as c.3301A>G), located in coding exon 24 of the LRRK2 gene, results from an A to G substitution at nucleotide position 3301. The asparagine at codon 1101 is replaced by aspartic acid, an amino acid with highly similar properties. This amino acid position is conserved. In addition, this alteration is predicted to be tolerated by in silico analysis. Since supporting evidence is limited at this time, the clinical significance of this alteration remains unclear.